The following is an entry in ClinVar:

ClinVar aggregate classification (germline): Likely benign. Review status: criteria provided, multiple submitters, no conflicts (2 of 4 stars). 2 submissions from 2 submitters: Likely benign (2). Last evaluated 2024-05-13.

Conditions:
Familial cancer of breast. Also called: Hereditary breast cancer; BREAST CANCER, FAMILIAL; hereditary breast carcinoma. Identifiers: Orphanet 227535, MedGen C0346153, MONDO:0016419, OMIM 114480. Disease mechanism: loss of function.
Ataxia-telangiectasia syndrome (AT). Also called: AT, COMPLEMENTATION GROUP C; Ataxia-telangiectasia, complementation group D; ATAXIA-TELANGIECTASIA, COMPLEMENTATION GROUP A; ATAXIA-TELANGIECTASIA, FRESNO VARIANT; Ataxia-telangiectasia; Ataxia telangiectasia (A-T). Identifiers: Orphanet 100, MedGen C0004135, MONDO:0008840, OMIM 208900.

Submissions (2):

Myriad Genetics, Inc.
Classification: Likely benign for Familial cancer of breast. Last evaluated: 2024-05-13. Review status: criteria provided, single submitter. Criteria: Myriad Autosomal Dominant, Autosomal Recessive and X-Linked Classification Criteria (2023). Collection method: clinical testing. Allele origin: unknown.
Comment: This variant is considered likely benign. This variant is intronic and is not expected to impact mRNA splicing.

Labcorp Genetics (formerly Invitae), Labcorp
Classification: Likely benign for Ataxia-telangiectasia syndrome. Last evaluated: 2023-08-02. Review status: criteria provided, single submitter. Criteria: Invitae Variant Classification Sherloc (09022015). Collection method: clinical testing. Allele origin: germline.

NM_000051.4(ATM):c.3154-18del

Gene: ATM (ATM serine/threonine kinase; plus strand). Cytogenetic location: 11q22.3.
Variant type: Deletion.
Coding change: c.3154-18del on transcript NM_000051.4 (MANE Select); 18 bases into the intron before coding-DNA position 3154, one base deleted (A; older notation c.3154-18delA).
Molecular consequence: intron variant.
Genome position (GRCh38, 1-based): chr11:108,272,704, A deleted. VCF-style (leftmost placement, unchanged base first): chr11-108272703-CA-C. GRCh37 (hg19) VCF-style: chr11-108143430-CA-C.
Other names: c.3154-18del (NM_001351834.2).
Identifiers: ClinVar variation 2749189 (VCV002749189.4), dbSNP rs2497719066, ClinGen allele CA2697558828.